The following is an entry in ClinVar:

NM_020831.6(MRTFA):c.2995G>A (p.Val999Met)

Gene: MRTFA (myocardin related transcription factor A; minus strand). Cytogenetic location: 22q13.1.
Variant type: single nucleotide variant.
Coding change: c.2995G>A on transcript NM_020831.6 (MANE Select); coding-DNA position 2995, G replaced by A.
Protein change: p.Val999Met; replaces valine 999 with methionine.
Molecular consequence: missense variant. On other transcripts: 3 prime UTR variant (1).
Genome position (GRCh38, 1-based): chr22:40,411,491, C>T on the plus strand (G>A on the coding strand, the complement: MRTFA is on the minus strand). VCF-style: chr22-40411491-C-T. GRCh37 (hg19) VCF-style: chr22-40807495-C-T.
Other names: c.2695G>A, p.Val899Met (NM_001282660.2); c.2845G>A, p.Val949Met (NM_001282661.3); c.*308G>A (NM_001282662.3); c.2800G>A, p.Val934Met (NM_001318139.2); short protein forms V899M, V934M, V949M, V999M.
Identifiers: ClinVar variation 1682914 (VCV001682914.6), dbSNP rs775773947, ClinGen allele CA324458082.

ClinVar aggregate classification (germline): Uncertain significance (1 of 4 stars; one submission).

gnomAD v4.1: 10 of 1,610,428 alleles (0.00062%); highest among the groups gnomAD compares: Middle Eastern, 0.033%; no homozygotes.

Submission:

Labcorp Genetics (formerly Invitae), Labcorp
Classification: Uncertain significance. Last evaluated: 2025-10-11. Review status: criteria provided, single submitter. Criteria: Invitae Variant Classification Sherloc (09022015). Collection method: clinical testing. Allele origin: germline.
Comment: This sequence change replaces valine, which is neutral and non-polar, with methionine, which is neutral and non-polar, at codon 899 of the MKL1 protein (p.Val899Met). This variant is present in population databases (no rsID available, gnomAD 0.0009%). This variant has not been reported in the literature in individuals affected with MKL1-related conditions. ClinVar contains an entry for this variant (Variation ID: 1682914). An algorithm developed to predict the effect of missense changes on protein structure and function outputs the following: PolyPhen-2: "Benign". The methionine amino acid residue is found in multiple mammalian species, which suggests that this missense change does not adversely affect protein function. In summary, the available evidence is currently insufficient to determine the role of this variant in disease. Therefore, it has been classified as a Variant of Uncertain Significance.